The following is an entry in ClinVar:

ClinVar aggregate classification (germline): Uncertain significance. Review status: criteria provided, multiple submitters, no conflicts (2 of 4 stars). 3 submissions from 3 submitters: Uncertain significance (3). Last evaluated 2025-05-19.

Conditions:
Inborn genetic diseases. Identifiers: MedGen C0950123, MeSH D030342.

Allele frequency attached by ClinVar (database versions not stated): gnomAD exomes below 0.00001 and 0.00002; ExAC 0.00002; gnomAD 0.00003; TOPMed 0.00005; ESP Exome Variant Server 0.00008.
gnomAD v4.1: 12 of 1,614,064 alleles (0.00074%); highest among the groups gnomAD compares: African/African-American, 0.008%; no homozygotes.

Submissions (3):

Ambry Genetics
Classification: Uncertain significance for Inborn genetic diseases. Last evaluated: 2025-05-19. Review status: criteria provided, single submitter. Criteria: Ambry Variant Classification Scheme 2023. Collection method: clinical testing. Allele origin: germline.

Blueprint Genetics
Classification: Uncertain significance. Last evaluated: 2023-05-22. Review status: criteria provided, single submitter. Criteria: ACMG Guidelines, 2015. Collection method: clinical testing. Allele origin: germline.

Labcorp Genetics (formerly Invitae), Labcorp
Classification: Uncertain significance. Last evaluated: 2022-08-09. Review status: criteria provided, single submitter. Criteria: Invitae Variant Classification Sherloc (09022015). Collection method: clinical testing. Allele origin: germline.
Comment: This variant is present in population databases (rs149996002, gnomAD 0.03%). This variant has not been reported in the literature in individuals affected with CDHR1-related conditions. ClinVar contains an entry for this variant (Variation ID: 846131). Algorithms developed to predict the effect of missense changes on protein structure and function (SIFT, PolyPhen-2, Align-GVGD) all suggest that this variant is likely to be tolerated. In summary, the available evidence is currently insufficient to determine the role of this variant in disease. Therefore, it has been classified as a Variant of Uncertain Significance. This sequence change replaces threonine, which is neutral and polar, with asparagine, which is neutral and polar, at codon 681 of the CDHR1 protein (p.Thr681Asn).

NM_033100.4(CDHR1):c.2042C>A (p.Thr681Asn)

Gene: CDHR1 (cadherin related family member 1; plus strand). Cytogenetic location: 10q23.1.
Variant type: single nucleotide variant.
Coding change: c.2042C>A on transcript NM_033100.4 (MANE Select); coding-DNA position 2042, C replaced by A.
Protein change: p.Thr681Asn; replaces threonine 681 with asparagine.
Molecular consequence: missense variant. On other transcripts: intron variant (1).
Genome position (GRCh38, 1-based): chr10:84,214,083, C>A. VCF-style: chr10-84214083-C-A. GRCh37 (hg19) VCF-style: chr10-85973839-C-A.
Other names: c.2040+735C>A (NM_001171971.3); c.2042C>A (NM_033100.2); short protein forms T681N.
Identifiers: ClinVar variation 846131 (VCV000846131.11), dbSNP rs149996002, ClinGen allele CA5580135.